The following is an entry in ClinVar:

ClinVar aggregate classification (germline): Uncertain significance (1 of 4 stars; one submission).

Submission:

CeGaT Center for Human Genetics Tuebingen
Classification: Uncertain significance. Last evaluated: 2025-03-01. Review status: criteria provided, single submitter. Criteria: CeGaT Center For Human Genetics Tuebingen Variant Classification Criteria Version 2. Collection method: clinical testing. Allele origin: germline. Affected: yes. Observed: 1 variant allele.
Comment: FAT2: PM2, PP2, BP4

NM_001447.3(FAT2):c.4636G>A (p.Glu1546Lys)

Genes: FAT2 (FAT atypical cadherin 2; minus strand), SLC36A1 (solute carrier family 36 member 1; plus strand). Cytogenetic location: 5q33.1.
Variant type: single nucleotide variant.
Coding change: c.4636G>A on transcript NM_001447.3 (MANE Select); coding-DNA position 4636, G replaced by A.
Protein change: p.Glu1546Lys; replaces glutamic acid 1546 with lysine.
Molecular consequence: missense variant.
Genome position (GRCh38, 1-based): chr5:151,549,448, C>T on the plus strand (G>A on the coding strand, the complement: FAT2 is on the minus strand). VCF-style: chr5-151549448-C-T. GRCh37 (hg19) VCF-style: chr5-150929009-C-T.
Other names: short protein forms E1546K.
Identifiers: ClinVar variation 3778562 (VCV003778562.7).